The following is an entry in ClinVar:

NM_000051.4(ATM):c.1267T>C (p.Tyr423His)

Gene: ATM (ATM serine/threonine kinase; plus strand). Cytogenetic location: 11q22.3.
Variant type: single nucleotide variant.
Coding change: c.1267T>C on transcript NM_000051.4 (MANE Select); coding-DNA position 1267, T replaced by C.
Protein change: p.Tyr423His; replaces tyrosine 423 with histidine.
Molecular consequence: missense variant.
Genome position (GRCh38, 1-based): chr11:108,250,732, T>C. VCF-style: chr11-108250732-T-C. GRCh37 (hg19) VCF-style: chr11-108121459-T-C.
Other names: c.1267T>C, p.Tyr423His (NM_001351834.2); short protein forms Y423H.
Identifiers: ClinVar variation 2036383 (VCV002036383.4), dbSNP rs2135316663, ClinGen allele CA382533377.

ClinVar aggregate classification (germline): Uncertain significance (1 of 4 stars; one submission).

Conditions:
Ataxia-telangiectasia syndrome (AT). Also called: Ataxia-telangiectasia, complementation group D; ATAXIA-TELANGIECTASIA, COMPLEMENTATION GROUP A; ATAXIA-TELANGIECTASIA, FRESNO VARIANT; Ataxia-telangiectasia; Ataxia telangiectasia (A-T); Cerebello-oculocutaneous telangiectasia. Identifiers: Orphanet 100, MedGen C0004135, MONDO:0008840, OMIM 208900.

Submission:

Labcorp Genetics (formerly Invitae), Labcorp
Classification: Uncertain significance for Ataxia-telangiectasia syndrome. Last evaluated: 2024-09-16. Review status: criteria provided, single submitter. Criteria: Invitae Variant Classification Sherloc (09022015). Collection method: clinical testing. Allele origin: germline.
Comment: This sequence change replaces tyrosine, which is neutral and polar, with histidine, which is basic and polar, at codon 423 of the ATM protein (p.Tyr423His). This variant is not present in population databases (gnomAD no frequency). This variant has not been reported in the literature in individuals affected with ATM-related conditions. ClinVar contains an entry for this variant (Variation ID: 2036383). An algorithm developed to predict the effect of missense changes on protein structure and function (PolyPhen-2) suggests that this variant is likely to be tolerated. In summary, the available evidence is currently insufficient to determine the role of this variant in disease. Therefore, it has been classified as a Variant of Uncertain Significance.